The following is an entry in ClinVar:

NM_000256.3(MYBPC3):c.1972A>T (p.Thr658Ser)

Gene: MYBPC3 (myosin binding protein C3; minus strand). Cytogenetic location: 11p11.2.
Variant type: single nucleotide variant.
Coding change: c.1972A>T on transcript NM_000256.3 (MANE Select); coding-DNA position 1972, A replaced by T.
Protein change: p.Thr658Ser; replaces threonine 658 with serine.
Molecular consequence: missense variant.
Genome position (GRCh38, 1-based): chr11:47,339,746, T>A on the plus strand (A>T on the coding strand, the complement: MYBPC3 is on the minus strand). VCF-style: chr11-47339746-T-A. GRCh37 (hg19) VCF-style: chr11-47361297-T-A.
Other names: short protein forms T658S.
Identifiers: ClinVar variation 1171060 (VCV001171060.12), dbSNP rs950381214, ClinGen allele CA221691248.

ClinVar aggregate classification (germline): Uncertain significance. Review status: criteria provided, multiple submitters, no conflicts (2 of 4 stars). 5 submissions from 5 submitters: Uncertain significance (5). Last evaluated 2026-08-26.

Conditions:
Cardiomyopathy (CMYO). Also called: Cardiomyopathies. Identifiers: Orphanet 167848, MedGen C0878544, MONDO:0004994, HP:0001638. Inheritance: Various modes of inheritance.
Hypertrophic cardiomyopathy. Also called: HYPERTROPHIC MYOCARDIOPATHY. Identifiers: Orphanet 217569, MedGen C0007194, MeSH D002312, MONDO:0005045, HP:0001639.
Cardiovascular phenotype. Identifiers: MedGen CN230736.

Allele frequency attached by ClinVar (database versions not stated): gnomAD exomes below 0.00001; TOPMed below 0.00001; gnomAD 0.00001.
gnomAD v4.1: 9 of 1,613,670 alleles (0.00056%); highest among the groups gnomAD compares: South Asian, 0.0033%; no homozygotes.

Submissions (5):

GeneDx
Classification: Uncertain significance. Last evaluated: 2026-08-26. Review status: criteria provided, single submitter. Criteria: GeneDx Variant Classification Process June 2021. Collection method: clinical testing. Allele origin: germline.
Comment: Not observed at significant frequency in large population cohorts (gnomAD); In silico analysis supports that this missense variant has a deleterious effect on protein structure/function; Has not been previously published as pathogenic or benign to our knowledge

Labcorp Genetics (formerly Invitae), Labcorp
Classification: Uncertain significance for Hypertrophic cardiomyopathy. Last evaluated: 2025-06-16. Review status: criteria provided, single submitter. Criteria: Invitae Variant Classification Sherloc (09022015). Collection method: clinical testing. Allele origin: germline.
Comment: This sequence change replaces threonine, which is neutral and polar, with serine, which is neutral and polar, at codon 658 of the MYBPC3 protein (p.Thr658Ser). This variant is present in population databases (no rsID available, gnomAD 0.0009%). This variant has not been reported in the literature in individuals affected with MYBPC3-related conditions. ClinVar contains an entry for this variant (Variation ID: 1171060). An algorithm developed to predict the effect of missense changes on protein structure and function (PolyPhen-2) suggests that this variant is likely to be disruptive. In summary, the available evidence is currently insufficient to determine the role of this variant in disease. Therefore, it has been classified as a Variant of Uncertain Significance.

Ambry Genetics
Classification: Uncertain significance for Cardiovascular phenotype. Last evaluated: 2024-07-04. Review status: criteria provided, single submitter. Criteria: Ambry Variant Classification Scheme 2023. Collection method: clinical testing. Allele origin: germline.
Comment: The p.T658S variant (also known as c.1972A>T), located in coding exon 21 of the MYBPC3 gene, results from an A to T substitution at nucleotide position 1972. The threonine at codon 658 is replaced by serine, an amino acid with similar properties. This amino acid position is conserved. In addition, the in silico prediction for this alteration is inconclusive. Based on the available evidence, the clinical significance of this variant remains unclear.

Color Diagnostics, LLC DBA Color Health
Classification: Uncertain significance for Cardiomyopathy. Last evaluated: 2024-03-06. Review status: criteria provided, single submitter. Criteria: ACMG Guidelines, 2015. Collection method: clinical testing. Allele origin: germline.
Comment: This missense variant replaces threonine with serine at codon 658 of the MYBPC3 protein. Computational prediction suggests that this variant may not impact protein structure and function (internally defined REVEL score threshold <= 0.5, PMID: 27666373). To our knowledge, functional studies have not been reported for this variant. This variant has not been reported in individuals affected with MYBPC3-related disorders in the literature. This variant has been identified in 1/249206 chromosomes in the general population by the Genome Aggregation Database (gnomAD). The available evidence is insufficient to determine the role of this variant in disease conclusively. Therefore, this variant is classified as a Variant of Uncertain Significance.

All of Us Research Program, National Institutes of Health
Classification: Uncertain significance for Hypertrophic cardiomyopathy. Last evaluated: 2023-09-17. Review status: criteria provided, single submitter. Criteria: ACMG Guidelines, 2015. Collection method: clinical testing. Allele origin: germline. Inheritance: Autosomal dominant inheritance. Observed: 2 variant alleles, 2 heterozygotes.
Comment: This missense variant replaces threonine with serine at codon 658 of the MYBPC3 protein. Computational prediction suggests that this variant may not impact protein structure and function (internally defined REVEL score threshold <= 0.5, PMID: 27666373). To our knowledge, functional studies have not been reported for this variant. This variant has not been reported in individuals affected with cardiovascular disorders in the literature. This variant has been identified in 1/249206 chromosomes in the general population by the Genome Aggregation Database (gnomAD). The available evidence is insufficient to determine the role of this variant in disease conclusively. Therefore, this variant is classified as a Variant of Uncertain Significance.

This study involves interpretation of variants in research participants for the purpose of population health screening. Participant phenotype was not available at the time of variant classification. Additional details can be found in publication PMID: 35346344, PMCID: PMC8962531